The following is an entry in ClinVar:

ClinVar aggregate classification (germline): Uncertain significance. Review status: criteria provided, multiple submitters, no conflicts (2 of 4 stars). 2 submissions from 2 submitters: Uncertain significance (2). Last evaluated 2025-10-02.

Conditions:
Inborn genetic diseases. Identifiers: MedGen C0950123, MeSH D030342.

Allele frequency attached by ClinVar (database versions not stated): gnomAD 0.00001; ExAC 0.00002; gnomAD exomes 0.00002; TOPMed 0.00002.
gnomAD v4.1: 26 of 1,614,042 alleles (0.0016%); highest among the groups gnomAD compares: Middle Eastern, 0.016%; no homozygotes.

Submissions (2):

Labcorp Genetics (formerly Invitae), Labcorp
Classification: Uncertain significance. Last evaluated: 2025-10-02. Review status: criteria provided, single submitter. Criteria: Invitae Variant Classification Sherloc (09022015). Collection method: clinical testing. Allele origin: germline.
Comment: This sequence change replaces arginine, which is basic and polar, with glutamine, which is neutral and polar, at codon 924 of the VPS13D protein (p.Arg924Gln). This variant is present in population databases (rs747942620, gnomAD 0.01%). This variant has not been reported in the literature in individuals affected with VPS13D-related conditions. ClinVar contains an entry for this variant (Variation ID: 2188123). Invitae Evidence Modeling of protein sequence and biophysical properties (such as structural, functional, and spatial information, amino acid conservation, physicochemical variation, residue mobility, and thermodynamic stability) indicates that this missense variant is not expected to disrupt VPS13D protein function with a negative predictive value of 80%. In summary, the available evidence is currently insufficient to determine the role of this variant in disease. Therefore, it has been classified as a Variant of Uncertain Significance.

Ambry Genetics
Classification: Uncertain significance for Inborn genetic diseases. Last evaluated: 2025-08-28. Review status: criteria provided, single submitter. Criteria: Ambry Variant Classification Scheme 2023. Collection method: clinical testing. Allele origin: germline.

NM_015378.4(VPS13D):c.2771G>A (p.Arg924Gln)

Gene: VPS13D (vacuolar protein sorting 13 homolog D; plus strand). Cytogenetic location: 1p36.22.
Variant type: single nucleotide variant.
Coding change: c.2771G>A on transcript NM_015378.4 (MANE Select); coding-DNA position 2771, G replaced by A.
Protein change: p.Arg924Gln; replaces arginine 924 with glutamine.
Molecular consequence: missense variant.
Genome position (GRCh38, 1-based): chr1:12,276,359, G>A. VCF-style: chr1-12276359-G-A. GRCh37 (hg19) VCF-style: chr1-12336416-G-A.
Other names: c.2771G>A (NM_015378.2); c.2771G>A, p.Arg924Gln (NM_018156.4); short protein forms R924Q.
Identifiers: ClinVar variation 2188123 (VCV002188123.5), dbSNP rs747942620, ClinGen allele CA601861.